The following is an entry in ClinVar:

NM_000135.4(FANCA):c.294G>T (p.Leu98Phe)

Gene: FANCA (FA complementation group A; minus strand). Cytogenetic location: 16q24.3.
Variant type: single nucleotide variant.
Coding change: c.294G>T on transcript NM_000135.4 (MANE Select); coding-DNA position 294, G replaced by T.
Protein change: p.Leu98Phe; replaces leucine 98 with phenylalanine.
Molecular consequence: missense variant.
Genome position (GRCh38, 1-based): chr16:89,811,061, C>A on the plus strand (G>T on the coding strand, the complement: FANCA is on the minus strand). VCF-style: chr16-89811061-C-A. GRCh37 (hg19) VCF-style: chr16-89877469-C-A.
Other names: c.294G>T, p.Leu98Phe (NM_001018112.3, NM_001286167.3, NM_001351830.2); c.294G>T (NM_000135.2); short protein forms L98F.
Identifiers: ClinVar variation 1358891 (VCV001358891.8), dbSNP rs751380220, ClinGen allele CA8253070.
Genomic context (GRCh38, chr16:89,811,061, plus strand): 5'-GGCAACCATCCCGGCTGAGAGAATACCCACGGGAACCCCCAGCCTTGAGGCTTGATCCTG[C>A]AAAGCAGAGCCTTAAACACAAAACAAAACCATAGCTTTCTCTTAACACATGAGACAAAAT-3'
Protein context (NP_000126.2, residues 88-108): NHSSSFIGSA[Leu98Phe]QDQASRLGVP

ClinVar aggregate classification (germline): Uncertain significance. Review status: criteria provided, multiple submitters, no conflicts (2 of 4 stars). 3 submissions from 3 submitters: Uncertain significance (3). Last evaluated 2025-03-27.

Conditions:
Inborn genetic diseases. Identifiers: MedGen C0950123, MeSH D030342.
Fanconi anemia (FA). Also called: Fanconi's anemia. Identifiers: Orphanet 84, MedGen C0015625, MeSH D005199, MONDO:0019391.
Fanconi anemia complementation group A (FANCA). Also called: Fanconi anemia, group A; FANCA-Related Fanconi Anemia. Identifiers: Orphanet 84, MedGen C3469521, MONDO:0009215, OMIM 227650.

Allele frequency attached by ClinVar (database versions not stated): gnomAD exomes below 0.00001 and 0.00001; ExAC 0.00001; gnomAD 0.00001; TOPMed 0.00001.
gnomAD v4.1: 5 of 1,613,898 alleles (0.00031%); highest among the groups gnomAD compares: African/African-American, 0.0013%; no homozygotes.

Submissions (3):

Labcorp Genetics (formerly Invitae), Labcorp
Classification: Uncertain significance for Fanconi anemia. Last evaluated: 2025-03-27. Review status: criteria provided, single submitter. Criteria: Invitae Variant Classification Sherloc (09022015). Collection method: clinical testing. Allele origin: germline.
Comment: This sequence change replaces leucine, which is neutral and non-polar, with phenylalanine, which is neutral and non-polar, at codon 98 of the FANCA protein (p.Leu98Phe). This variant is present in population databases (rs751380220, gnomAD 0.007%). This variant has not been reported in the literature in individuals affected with FANCA-related conditions. ClinVar contains an entry for this variant (Variation ID: 1358891). Invitae Evidence Modeling of protein sequence and biophysical properties (such as structural, functional, and spatial information, amino acid conservation, physicochemical variation, residue mobility, and thermodynamic stability) indicates that this missense variant is not expected to disrupt FANCA protein function with a negative predictive value of 95%. In summary, the available evidence is currently insufficient to determine the role of this variant in disease. Therefore, it has been classified as a Variant of Uncertain Significance.

Ambry Genetics
Classification: Uncertain significance for Inborn genetic diseases. Last evaluated: 2024-12-19. Review status: criteria provided, single submitter. Criteria: Ambry Variant Classification Scheme 2023. Collection method: clinical testing. Allele origin: germline.
Comment: The p.L98F variant (also known as c.294G>T), located in coding exon 4 of the FANCA gene, results from a G to T substitution at nucleotide position 294. The leucine at codon 98 is replaced by phenylalanine, an amino acid with highly similar properties. This amino acid position is conserved. In addition, this alteration is predicted to be tolerated by in silico analysis. Based on the available evidence, the clinical significance of this variant remains unclear.

Fulgent Genetics
Classification: Uncertain significance for Fanconi anemia complementation group A. Last evaluated: 2022-03-21. Review status: criteria provided, single submitter. Criteria: ACMG Guidelines, 2015. Collection method: clinical testing. Allele origin: unknown.